The following is an entry in ClinVar:

ClinVar aggregate classification (germline): Likely pathogenic. Review status: criteria provided, single submitter (1 of 4 stars). 2 submissions from 2 submitters: Likely pathogenic (1). 1 of the submissions does not count toward it. Last evaluated 2018-10-15.

Conditions:
Coffin-Siris syndrome 6. Identifiers: MedGen C4540499, MONDO:0033492, OMIM 617808.

Submissions (2):

SIB Swiss Institute of Bioinformatics
Classification: Likely pathogenic for Coffin-Siris syndrome 6. Last evaluated: 2018-10-15. Review status: criteria provided, single submitter. Criteria: ACMG Guidelines, 2015. Collection method: curation. Allele origin: unknown.
Comment: This variant is interpreted as Likely Pathogenic, for Coffin-Siris syndrome 6, autosomal dominant. The following ACMG Tag(s) were applied: PM2 => Absent from controls (or at extremely low frequency if recessive) in Exome Sequencing Project, 1000 Genomes Project, or Exome Aggregation Consortium. PVS1-Strong => PVS1 downgraded in strength to Strong.

OMIM
Classification: Pathogenic for COFFIN-SIRIS SYNDROME 6. Last evaluated: 2017-12-14. Review status: no assertion criteria provided. Collection method: literature only. Allele origin: germline. Not counted in ClinVar's aggregate classification.

Literature cited by the submitters: PubMed 26238514 (cited by OMIM).

NM_152641.4(ARID2):c.1028T>A (p.Leu343Ter)

Gene: ARID2 (AT-rich interaction domain 2; plus strand). Cytogenetic location: 12q12.
Variant type: single nucleotide variant.
Coding change: c.1028T>A on transcript NM_152641.4 (MANE Select); coding-DNA position 1028, T replaced by A.
Protein change: p.Leu343Ter; replaces leucine 343 with a stop codon.
Molecular consequence: nonsense.
Genome position (GRCh38, 1-based): chr12:45,837,325, T>A. VCF-style: chr12-45837325-T-A. GRCh37 (hg19) VCF-style: chr12-46231108-T-A.
Other names: c.1028T>A, p.Leu343Ter (NM_001347839.2); short protein forms L343*.
Identifiers: ClinVar variation 448916 (VCV000448916.2), dbSNP rs796052242, ClinGen allele CA319653.